The following is an entry in ClinVar:

ClinVar aggregate classification (germline): Uncertain significance (1 of 4 stars; one submission).

Conditions:
Hypertrophic cardiomyopathy 11. Also called: ACTC1-Related Familial Hypertrophic Cardiomyopathy. Identifiers: MedGen C2677506, MONDO:0012799, OMIM 612098.
Dilated cardiomyopathy 1R (CMD1R). Identifiers: Orphanet 154, Orphanet 54260, MedGen C3150681, MONDO:0013261, OMIM 613424.
Atrial septal defect 5 (ASD5). Identifiers: Orphanet 1478, MedGen C2748552, MONDO:0013011, OMIM 612794.

Submission:

Labcorp Genetics (formerly Invitae), Labcorp
Classification: Uncertain significance for Dilated cardiomyopathy 1R; Hypertrophic cardiomyopathy 11; Atrial septal defect 5. Last evaluated: 2025-02-13. Review status: criteria provided, single submitter. Criteria: Invitae Variant Classification Sherloc (09022015). Collection method: clinical testing. Allele origin: germline.
Comment: This sequence change replaces glycine, which is neutral and non-polar, with alanine, which is neutral and non-polar, at codon 345 of the ACTC1 protein (p.Gly345Ala). This variant is not present in population databases (gnomAD no frequency). This variant has not been reported in the literature in individuals affected with ACTC1-related conditions. ClinVar contains an entry for this variant (Variation ID: 2951057). Invitae Evidence Modeling of protein sequence and biophysical properties (such as structural, functional, and spatial information, amino acid conservation, physicochemical variation, residue mobility, and thermodynamic stability) indicates that this missense variant is not expected to disrupt ACTC1 protein function with a negative predictive value of 80%. In summary, the available evidence is currently insufficient to determine the role of this variant in disease. Therefore, it has been classified as a Variant of Uncertain Significance.

NM_005159.5(ACTC1):c.1034G>C (p.Gly345Ala)

Genes: GJD2-DT (GJD2 divergent transcript; plus strand), ACTC1 (actin alpha cardiac muscle 1; minus strand). Cytogenetic location: 15q14.
Variant type: single nucleotide variant.
Coding change: c.1034G>C on transcript NM_005159.5 (MANE Select); coding-DNA position 1034, G replaced by C.
Protein change: p.Gly345Ala; replaces glycine 345 with alanine.
Molecular consequence: missense variant.
Genome position (GRCh38, 1-based): chr15:34,790,512, C>G on the plus strand (G>C on the coding strand, the complement: ACTC1 is on the minus strand). VCF-style: chr15-34790512-C-G. GRCh37 (hg19) VCF-style: chr15-35082713-C-G.
Other names: c.1034G>C, p.Gly345Ala (NM_001406482.1, NM_001406483.1); c.899G>C, p.Gly300Ala (NM_001406484.1); c.593G>C, p.Gly198Ala (NM_001406485.1); short protein forms G300A, G345A, G198A.
Identifiers: ClinVar variation 2951057 (VCV002951057.3), dbSNP rs2504176088, ClinGen allele CA391629071.